The following is an entry in ClinVar:

NM_213599.3(ANO5):c.392T>G (p.Val131Gly)

Gene: ANO5 (anoctamin 5; plus strand). Cytogenetic location: 11p14.3.
Variant type: single nucleotide variant.
Coding change: c.392T>G on transcript NM_213599.3 (MANE Select); coding-DNA position 392, T replaced by G.
Protein change: p.Val131Gly; replaces valine 131 with glycine.
Molecular consequence: missense variant.
Genome position (GRCh38, 1-based): chr11:22,227,330, T>G. VCF-style: chr11-22227330-T-G. GRCh37 (hg19) VCF-style: chr11-22248876-T-G.
Other names: c.389T>G, p.Val130Gly (NM_001142649.2); c.350T>G, p.Val117Gly (NM_001410963.1); c.347T>G, p.Val116Gly (NM_001410964.1); short protein forms V116G, V130G, V117G, V131G.
Identifiers: ClinVar variation 2200449 (VCV002200449.5), dbSNP rs2494148902, ClinGen allele CA379919356.

ClinVar aggregate classification (germline): Uncertain significance. Review status: criteria provided, multiple submitters, no conflicts (2 of 4 stars). 2 submissions from 2 submitters: Uncertain significance (2). Last evaluated 2025-07-14.

Conditions:
Gnathodiaphyseal dysplasia (GDD). Also called: GNATHODIAPHYSEAL SCLEROSIS; OSTEOGENESIS IMPERFECTA WITH UNUSUAL SKELETAL LESIONS. Identifiers: Orphanet 53697, MedGen C1833736, MONDO:0008151, OMIM 166260.
Autosomal recessive limb-girdle muscular dystrophy type 2L (LGMDR12). Also called: Limb-girdle muscular dystrophy, type 2L; Limb-Girdle Muscular Dystrophy R12 Anoctamin-5-Related (LGMD-R12); MUSCULAR DYSTROPHY, LIMB-GIRDLE, AUTOSOMAL RECESSIVE 12. Identifiers: Orphanet 206549, MedGen C1969785, MONDO:0012652, OMIM 611307.

Allele frequency attached by ClinVar (database versions not stated): gnomAD exomes below 0.00001.
gnomAD v4.1: 1 of 1,613,472 alleles (0.000062%); highest among the groups gnomAD compares: Non-Finnish European, 0.000085%; no homozygotes.

Submissions (2):

Athena Diagnostics
Classification: Uncertain significance. Last evaluated: 2025-07-14. Review status: criteria provided, single submitter. Criteria: Athena Diagnostics Criteria. Collection method: clinical testing. Allele origin: unknown.
Comment: Available data are insufficient to determine the clinical significance of the variant at this time. This variant has not been reported in large, multi-ethnic general populations. Polyphen and MutationTaster predict this amino acid change may be damaging to the protein.

Labcorp Genetics (formerly Invitae), Labcorp
Classification: Uncertain significance for Autosomal recessive limb-girdle muscular dystrophy type 2L; Gnathodiaphyseal dysplasia. Last evaluated: 2023-10-03. Review status: criteria provided, single submitter. Criteria: Invitae Variant Classification Sherloc (09022015). Collection method: clinical testing. Allele origin: germline.
Comment: This sequence change replaces valine, which is neutral and non-polar, with glycine, which is neutral and non-polar, at codon 131 of the ANO5 protein (p.Val131Gly). This variant is not present in population databases (gnomAD no frequency). This variant has not been reported in the literature in individuals affected with ANO5-related conditions. ClinVar contains an entry for this variant (Variation ID: 2200449). Advanced modeling of protein sequence and biophysical properties (such as structural, functional, and spatial information, amino acid conservation, physicochemical variation, residue mobility, and thermodynamic stability) performed at Invitae indicates that this missense variant is expected to disrupt ANO5 protein function. In summary, the available evidence is currently insufficient to determine the role of this variant in disease. Therefore, it has been classified as a Variant of Uncertain Significance.